The following is an entry in ClinVar:

NM_001029896.2(WDR45):c.1065TGA[3] (p.Asp359del)

Gene: WDR45 (WD repeat domain 45; minus strand). Cytogenetic location: Xp11.23.
Variant type: Microsatellite.
Coding change: c.1065TGA[3] on transcript NM_001029896.2 (MANE Select); three copies in a row of the 3-base unit TGA starting at c.1065; the reference has four copies in a row; one copy, 3 bases deleted.
Protein change: p.Asp359del; deletes aspartic acid 359.
Molecular consequence: inframe deletion.
Genome position (GRCh38, 1-based): chrX:49,074,810-49,074,812, TCA deleted on the plus strand (TGA on the coding strand, the reverse complement: WDR45 is on the minus strand); deleting any 3 consecutive bases within chrX:49,074,810-49,074,821 gives the same sequence; the position shown is the placement nearest the transcript's 3' end. VCF-style (leftmost placement, unchanged base first): chrX-49074809-GTCA-G. GRCh37 (hg19) VCF-style: chrX-48932468-GTCA-G.
Other names: c.1068TGA[3], p.Asp360del (NM_007075.4); short protein forms D360del, D359del.
Identifiers: ClinVar variation 2099376 (VCV002099376.4), dbSNP rs2520258850, ClinGen allele CA2579605466.

ClinVar aggregate classification (germline): Uncertain significance (1 of 4 stars; one submission).

Conditions:
Neurodegeneration with brain iron accumulation 5 (NBIA5). Also called: Beta-propeller protein-associated neurodegeneration; STATIC ENCEPHALOPATHY OF CHILDHOOD WITH NEURODEGENERATION IN ADULTHOOD. Identifiers: Orphanet 329284, MedGen C3550973, MONDO:0010476, OMIM 300894.

Submission:

Labcorp Genetics (formerly Invitae), Labcorp
Classification: Uncertain significance for Neurodegeneration with brain iron accumulation 5. Last evaluated: 2022-08-31. Review status: criteria provided, single submitter. Criteria: Invitae Variant Classification Sherloc (09022015). Collection method: clinical testing. Allele origin: germline.
Comment: This variant, c.1077_1079del, results in the deletion of 1 amino acid(s) of the WDR45 protein (p.Asp360del), but otherwise preserves the integrity of the reading frame. This variant is not present in population databases (gnomAD no frequency). This variant has not been reported in the literature in individuals affected with WDR45-related conditions. Experimental studies and prediction algorithms are not available or were not evaluated, and the functional significance of this variant is currently unknown. In summary, the available evidence is currently insufficient to determine the role of this variant in disease. Therefore, it has been classified as a Variant of Uncertain Significance.